The following is an entry in ClinVar:

ClinVar aggregate classification (germline): Likely benign (1 of 4 stars; one submission).

Allele frequency attached by ClinVar (database versions not stated): gnomAD exomes below 0.00001; TOPMed below 0.00001.
gnomAD v4.1: 1 of 1,593,034 alleles (0.000063%); highest among the groups gnomAD compares: Non-Finnish European, 0.000086%; no homozygotes.

Submission:

Laboratory for Molecular Medicine, Mass General Brigham Personalized Medicine
Classification: Likely benign. Last evaluated: 2016-04-14. Review status: criteria provided, single submitter. Criteria: LMM Criteria. Collection method: clinical testing. Allele origin: germline. Observed: 1 variant allele.
Comment: c.2232+9C>T in intron 18 of MYH14: This variant is not expected to have clinical significance because it does not alter an amino acid residue and is not located within the splice consensus sequence.

NM_001145809.2(MYH14):c.2232+9C>T

Gene: MYH14 (myosin heavy chain 14; plus strand). Cytogenetic location: 19q13.33.
Variant type: single nucleotide variant.
Coding change: c.2232+9C>T on transcript NM_001145809.2 (MANE Select); 9 bases into the intron after coding-DNA position 2232, C replaced by T.
Molecular consequence: intron variant.
Genome position (GRCh38, 1-based): chr19:50,257,495, C>T. VCF-style: chr19-50257495-C-T. GRCh37 (hg19) VCF-style: chr19-50760752-C-T.
Other names: c.2133+9C>T (NM_001077186.2); c.2109+9C>T (NM_024729.4).
Identifiers: ClinVar variation 504895 (VCV000504895.4), dbSNP rs1335453719, ClinGen allele CA658799263.
Genomic context (GRCh38, chr19:50,257,495, plus strand): 5'-CAACACCAACCCCAGTTTTGTCCGCTGCATTGTCCCCAACCACGAGAAGAGGGTGAGTGA[C>T]TCAGCCTGGGGAGGAAGGGGTGGCTGTGGCTGTGGGTTAAGGTTTGGCCTCTGGACTTGG-3'